The following is an entry in ClinVar:

ClinVar aggregate classification (germline): Likely pathogenic (1 of 4 stars; one submission).

Conditions:
Glycogen storage disease IXb (GSD9B). Also called: GLYCOGENOSIS OF LIVER AND MUSCLE, AUTOSOMAL RECESSIVE; GSD IXb; PHOSPHORYLASE KINASE DEFICIENCY OF LIVER AND MUSCLE, AUTOSOMAL RECESSIVE. Identifiers: Orphanet 79240, MedGen C0543514, MONDO:0009868, OMIM 261750.

Submission:

Labcorp Genetics (formerly Invitae), Labcorp
Classification: Likely pathogenic for Glycogen storage disease IXb. Last evaluated: 2025-09-29. Review status: criteria provided, single submitter. Criteria: Invitae Variant Classification Sherloc (09022015). Collection method: clinical testing. Allele origin: germline.
Comment: This sequence change affects a donor splice site in intron 3 of the PHKB gene. It is expected to disrupt RNA splicing. Variants that disrupt the donor or acceptor splice site typically lead to a loss of protein function (PMID: 16199547), and loss-of-function variants in PHKB are known to be pathogenic (PMID: 9215682, 9326319). This variant is not present in population databases (gnomAD no frequency). This variant has not been reported in the literature in individuals affected with PHKB-related conditions. ClinVar contains an entry for this variant (Variation ID: 2792256). Algorithms developed to predict the effect of sequence changes on RNA splicing suggest that this variant may disrupt the consensus splice site. In summary, the currently available evidence indicates that the variant is pathogenic, but additional data are needed to prove that conclusively. Therefore, this variant has been classified as Likely Pathogenic.

Literature cited by the submitters: PubMed 16199547; PubMed 9215682; PubMed 9326319.

NM_000293.3(PHKB):c.305+2T>C

Genes: PHKB (phosphorylase kinase regulatory subunit beta; plus strand), LOC112449713 (Sharpr-MPRA regulatory region 10524; plus strand). Cytogenetic location: 16q12.1.
Variant type: single nucleotide variant.
Coding change: c.305+2T>C on transcript NM_000293.3 (MANE Select); the canonical splice donor site of the intron after coding-DNA position 305, T replaced by C.
Molecular consequence: splice donor variant.
Genome position (GRCh38, 1-based): chr16:47,499,896, T>C. VCF-style: chr16-47499896-T-C. GRCh37 (hg19) VCF-style: chr16-47533807-T-C.
Other names: c.305+2T>C (NM_001363837.1); c.284+2T>C (NM_001031835.3).
Identifiers: ClinVar variation 2792256 (VCV002792256.3), dbSNP rs899519576, ClinGen allele CA280721441.